The following is an entry in ClinVar:

NM_001305581.2(LRMDA):c.158G>C (p.Arg53Thr)

Genes: LRMDA (leucine rich melanocyte differentiation associated; plus strand), LOC110121427 (VISTA enhancer hs1679; plus strand). Cytogenetic location: 10q22.3.
Variant type: single nucleotide variant.
Coding change: c.158G>C on transcript NM_001305581.2 (MANE Select); coding-DNA position 158, G replaced by C.
Protein change: p.Arg53Thr; replaces arginine 53 with threonine.
Molecular consequence: missense variant. On other transcripts: non-coding transcript variant (1).
Genome position (GRCh38, 1-based): chr10:76,036,034, G>C. VCF-style: chr10-76036034-G-C. GRCh37 (hg19) VCF-style: chr10-77795792-G-C.
Other names: c.74G>C, p.Arg25Thr (NM_032024.5); short protein forms R53T, R25T.
Identifiers: ClinVar variation 2020569 (VCV002020569.4), dbSNP rs2492776385, ClinGen allele CA377400637.

ClinVar aggregate classification (germline): Uncertain significance (1 of 4 stars; one submission).

Submission:

Labcorp Genetics (formerly Invitae), Labcorp
Classification: Uncertain significance. Last evaluated: 2022-07-30. Review status: criteria provided, single submitter. Criteria: Invitae Variant Classification Sherloc (09022015). Collection method: clinical testing. Allele origin: germline.
Comment: This sequence change replaces arginine, which is basic and polar, with threonine, which is neutral and polar, at codon 25 of the C10orf11 protein (p.Arg25Thr). This variant is not present in population databases (gnomAD no frequency). This variant has not been reported in the literature in individuals affected with C10orf11-related conditions. Algorithms developed to predict the effect of missense changes on protein structure and function (SIFT, PolyPhen-2, Align-GVGD) all suggest that this variant is likely to be tolerated. In summary, the available evidence is currently insufficient to determine the role of this variant in disease. Therefore, it has been classified as a Variant of Uncertain Significance.